The following is an entry in ClinVar:

NM_000412.5(HRG):c.1103_1147del (p.Ala368_His382del)

Gene: HRG (histidine rich glycoprotein; plus strand). Cytogenetic location: 3q27.3.
Variant type: Deletion.
Coding change: c.1103_1147del on transcript NM_000412.5 (MANE Select); coding-DNA positions 1103 to 1147, 45 bases deleted.
Protein change: p.Ala368_His382del.
Genome position (GRCh38, 1-based): chr3:186,677,408-186,677,452, 45 bases deleted; deleting any 45 consecutive bases within chr3:186,677,398-186,677,452 gives the same sequence; the c. name uses the placement nearest the transcript's 3' end. GRCh37 (hg19): chr3:186,395,197-186,395,241.
Identifiers: ClinVar variation 4084547 (VCV004084547.8).
Genomic context (GRCh38, chr3:186,677,397, plus strand): 5'-TAATTCCAGTGACCTCCATCCCCATAAGCATCATTCCCATGAACAGCATCCCCACGGACA[CCATCCCCATGCACACCATCCTCATGAACATGATACCCATAGACAG>C]CATCCCCATGGACACCACCCCCATGGACACCATCCTCATGGACACCACCCCCATGGACAC-3'

ClinVar aggregate classification (germline): Uncertain significance (1 of 4 stars; one submission).

Submission:

CeGaT Center for Human Genetics Tuebingen
Classification: Uncertain significance. Last evaluated: 2025-07-01. Review status: criteria provided, single submitter. Criteria: CeGaT Center For Human Genetics Tuebingen Variant Classification Criteria Version 2. Collection method: clinical testing. Allele origin: germline. Affected: yes. Observed: 1 variant allele.
Comment: HRG: PM2